The following is an entry in ClinVar:

NM_004646.4(NPHS1):c.492C>T (p.Asp164=)

Gene: NPHS1 (NPHS1 adhesion molecule, nephrin; minus strand). Cytogenetic location: 19q13.12.
Variant type: single nucleotide variant.
Coding change: c.492C>T on transcript NM_004646.4 (MANE Select); coding-DNA position 492, C replaced by T.
Protein change: p.Asp164=; no amino-acid change (aspartic acid 164 retained).
Molecular consequence: synonymous variant.
Genome position (GRCh38, 1-based): chr19:35,850,995, G>A on the plus strand (C>T on the coding strand, the complement: NPHS1 is on the minus strand). VCF-style: chr19-35850995-G-A. GRCh37 (hg19) VCF-style: chr19-36341897-G-A.
Identifiers: ClinVar variation 766354 (VCV000766354.16), dbSNP rs147569168, ClinGen allele CA9390795.

ClinVar aggregate classification (germline): Conflicting classifications of pathogenicity. Review status: criteria provided, conflicting classifications (1 of 4 stars). 4 submissions from 4 submitters: Uncertain significance (1); Likely benign (1). 2 of the submissions do not count toward it. Last evaluated 2025-12-28.

Conditions:
NPHS1-related disorder. Also called: NPHS1-related condition.
Congenital nephrotic syndrome. Also called: Familial nephrotic syndrome. Identifiers: MedGen C3501848, MeSH C535761, MONDO:0002350, HP:0008677.
Finnish congenital nephrotic syndrome (NPHS1). Also called: NEPHROTIC SYNDROME, TYPE 1. Identifiers: Orphanet 839, MedGen C0403399, MONDO:0009732, OMIM 256300.

Allele frequency attached by ClinVar (database versions not stated): gnomAD exomes 0.00008 and 0.00011; TOPMed 0.00009; gnomAD 0.00010; ExAC 0.00014; ESP Exome Variant Server 0.00023.
gnomAD v4.1: 144 of 1,613,932 alleles (0.0089%); highest among the groups gnomAD compares: Middle Eastern, 0.033%; no homozygotes.

Submissions (4):

Labcorp Genetics (formerly Invitae), Labcorp
Classification: Likely benign. Last evaluated: 2025-12-28. Review status: criteria provided, single submitter. Criteria: Invitae Variant Classification Sherloc (09022015). Collection method: clinical testing. Allele origin: germline.

Illumina Laboratory Services, Illumina
Classification: Uncertain significance for Congenital nephrotic syndrome. Last evaluated: 2018-01-12. Review status: criteria provided, single submitter. Criteria: ICSL Variant Classification Criteria 13 December 2019. Collection method: clinical testing. Allele origin: germline.

PreventionGenetics, part of Exact Sciences
Classification: Likely benign for NPHS1-related condition. Last evaluated: 2020-10-05. Review status: no assertion criteria provided. Collection method: clinical testing. Allele origin: germline. Not counted in ClinVar's aggregate classification.
Comment: This variant is classified as likely benign based on ACMG/AMP sequence variant interpretation guidelines (Richards et al. 2015 PMID: 25741868, with internal and published modifications).

Natera, Inc.
Classification: Uncertain significance for Finnish congenital nephrotic syndrome. Last evaluated: 2020-01-24. Review status: no assertion criteria provided. Collection method: clinical testing. Allele origin: germline. Not counted in ClinVar's aggregate classification.